The following is an entry in ClinVar:

ClinVar aggregate classification (germline): Benign/Likely benign. Review status: criteria provided, multiple submitters, no conflicts (2 of 4 stars). 10 submissions from 10 submitters: Benign (8); Likely benign (1). 1 of the submissions does not count toward it. Last evaluated 2026-02-02.

Conditions:
Becker muscular dystrophy (BMD). Also called: MUSCULAR DYSTROPHY, PSEUDOHYPERTROPHIC PROGRESSIVE, BECKER TYPE; Becker Muscular Dystrophy (BMD). Identifiers: Orphanet 98895, MedGen C0917713, MONDO:0010311, OMIM 300376.
Duchenne muscular dystrophy (DMD). Also called: Duchenne Muscular Dystrophy (DMD); MUSCULAR DYSTROPHY, PSEUDOHYPERTROPHIC PROGRESSIVE, DUCHENNE TYPE. Identifiers: Orphanet 98896, MedGen C0013264, MONDO:0010679, OMIM 310200.
Cardiomyopathy (CMYO). Also called: Cardiomyopathies. Identifiers: Orphanet 167848, MedGen C0878544, MONDO:0004994, HP:0001638. Inheritance: Various modes of inheritance.
Dystrophin deficiency.
Cardiovascular phenotype. Identifiers: MedGen CN230736.
Dilated cardiomyopathy 3B (CMD3B). Also called: CMD3B: DMD-Related Dilated Cardiomyopathy; CARDIOMYOPATHY, DILATED, X-LINKED; DMD-Associated Dilated Cardiomyopathy. Identifiers: Orphanet 154, MedGen C3668940, MONDO:0010542, OMIM 302045.

Allele frequency attached by ClinVar (database versions not stated): ESP Exome Variant Server 0.00019; 1000 Genomes Project 0.00556; gnomAD exomes 0.00567 and 0.00271; TOPMed 0.00093; gnomAD 0.00279 and 0.00292; 1000 Genomes Project 30x 0.00437; ExAC 0.00540.
gnomAD v4.1: 3,257 of 1,199,881 alleles (0.27%); highest among the groups gnomAD compares: East Asian, 2.3%; 39 homozygotes.

Submissions (10):

Labcorp Genetics (formerly Invitae), Labcorp
Classification: Benign for Duchenne muscular dystrophy. Last evaluated: 2026-02-02. Review status: criteria provided, single submitter. Criteria: Invitae Variant Classification Sherloc (09022015). Collection method: clinical testing. Allele origin: germline.

Blueprint Genetics
Classification: Benign. Last evaluated: 2024-11-28. Review status: criteria provided, single submitter. Criteria: ACMG Guidelines, 2015. Collection method: clinical testing. Allele origin: germline.

Women's Health and Genetics/Laboratory Corporation of America, LabCorp
Classification: Benign. Last evaluated: 2020-02-21. Review status: criteria provided, single submitter. Criteria: LabCorp Variant Classification Summary - May 2015. Collection method: clinical testing. Allele origin: germline.
Comment: Variant summary: DMD c.4529A>G (p.Lys1510Arg) results in a conservative amino acid change in the encoded protein sequence. Three of five in-silico tools predict a benign effect of the variant on protein function. The variant allele was found at a frequency of 0.0057 in 181352 control chromosomes in the gnomAD database (exomes dataset), including 13 homozygotes, and 319 hemizygotes. The observed variant frequency is approximately 500 fold of the estimated maximal expected allele frequency for a pathogenic variant in DMD causing Dystrophinopathy phenotype (1.1e-05), strongly suggesting that the variant is benign. To our knowledge, no occurrence of c.4529A>G in individuals affected with Dystrophinopathies and no experimental evidence demonstrating its impact on protein function have been reported. Five clinical diagnostic laboratories have submitted clinical-significance assessments for this variant to ClinVar after 2014 without evidence for independent evaluation. All laboratories classified the variant as benign (3x) / likely benign (2x). Based on the evidence outlined above, the variant was classified as benign.

Institute of Human Genetics, University of Leipzig Medical Center
Classification: Benign for Duchenne muscular dystrophy. Last evaluated: 2019-01-01. Review status: criteria provided, single submitter. Criteria: ACMG Guidelines, 2015. Collection method: clinical testing. Allele origin: unknown. Affected: yes.

Illumina Laboratory Services, Illumina
Classification: Benign for Dilated cardiomyopathy 3B. Last evaluated: 2018-01-12. Review status: criteria provided, single submitter. Criteria: ICSL Variant Classification Criteria 13 December 2019. Collection method: clinical testing. Allele origin: germline.
Comment: This variant was observed in the ICSL laboratory as part of a predisposition screen in an ostensibly healthy population. It had not been previously curated by ICSL or reported in the Human Gene Mutation Database (HGMD: prior to June 1st, 2018), and was therefore a candidate for classification through an automated scoring system. Utilizing variant allele frequency, disease prevalence and penetrance estimates, and inheritance mode, an automated score was calculated to assess if this variant is too frequent to cause the disease. Based on the score and internal cut-off values, a variant classified as benign is not then subjected to further curation. The score for this variant resulted in a classification of benign for this disease.

Ambry Genetics
Classification: Benign for Cardiovascular phenotype. Last evaluated: 2016-11-22. Review status: criteria provided, single submitter. Criteria: Ambry Variant Classification Scheme 2023. Collection method: clinical testing. Allele origin: germline.

Eurofins Ntd Llc (ga)
Classification: Benign. Last evaluated: 2016-01-08. Review status: criteria provided, single submitter. Criteria: EGL Classification Definitions 2015. Collection method: clinical testing. Allele origin: germline. Observed: 5 variant alleles, 2 heterozygotes, 3 hemizygotes.

GeneDx
Classification: Benign. Last evaluated: 2015-03-03. Review status: criteria provided, single submitter. Criteria: GeneDx Variant Classification Process June 2021. Collection method: clinical testing. Allele origin: germline. Affected: yes.

Molecular Diagnostic Laboratory for Inherited Cardiovascular Disease, Montreal Heart Institute
Classification: Likely benign. Review status: criteria provided, single submitter. Criteria: ACMG Guidelines, 2015. Collection method: clinical testing. Allele origin: germline. Affected: yes.

Natera, Inc.
Classification: Likely benign for Becker muscular dystrophy; Cardiomyopathy; Duchenne muscular dystrophy; Dystrophin deficiency. Last evaluated: 2017-04-20. Review status: no assertion criteria provided. Collection method: clinical testing. Allele origin: germline. Not counted in ClinVar's aggregate classification.

NM_004006.3(DMD):c.4529A>G (p.Lys1510Arg)

Gene: DMD (dystrophin; minus strand). Cytogenetic location: Xp21.1.
Variant type: single nucleotide variant.
Coding change: c.4529A>G on transcript NM_004006.3 (MANE Select); coding-DNA position 4529, A replaced by G.
Protein change: p.Lys1510Arg; replaces lysine 1510 with arginine.
Molecular consequence: missense variant.
Genome position (GRCh38, 1-based): chrX:32,386,455, T>C on the plus strand (A>G on the coding strand, the complement: DMD is on the minus strand). VCF-style: chrX-32386455-T-C. GRCh37 (hg19) VCF-style: chrX-32404572-T-C.
Other names: c.4505A>G, p.Lys1502Arg (NM_000109.4); c.4517A>G, p.Lys1506Arg (NM_004009.3); c.4160A>G, p.Lys1387Arg (NM_004010.3); c.506A>G, p.Lys169Arg (NM_004011.4); c.497A>G, p.Lys166Arg (NM_004012.4); short protein forms K1387R, K1502R, K1506R, K169R, K166R.
Identifiers: ClinVar variation 94632 (VCV000094632.31), dbSNP rs72468638, ClinGen allele CA222404.
Genomic context (GRCh38, chrX:32,386,455, plus strand): 5'-ACAATCTGACGTCCAGTCTTTATCACCATTTCCACTTCAGACTTCACTTCACTCAGACTT[T>C]TATACAAGTTCTAAGTTTAAACATAAAACAAAACATGATAATCAGTAGAGTTAAATTATT-3'
Protein context (NP_003997.2, residues 1500-1520): SQLNHCVNLY[Lys1510Arg]SLSEVKSEVE